The following is an entry in ClinVar:

ClinVar aggregate classification (germline): Likely benign. Review status: criteria provided, multiple submitters, no conflicts (2 of 4 stars). 2 submissions from 2 submitters: Likely benign (2). Last evaluated 2024-02-07.

Conditions:
Fanconi anemia (FA). Also called: Fanconi's anemia. Identifiers: Orphanet 84, MedGen C0015625, MeSH D005199, MONDO:0019391.

gnomAD v4.1: 11 of 1,614,170 alleles (0.00068%); highest among the groups gnomAD compares: South Asian, 0.0044%; no homozygotes.

Submissions (2):

Labcorp Genetics (formerly Invitae), Labcorp
Classification: Likely benign for Fanconi anemia. Last evaluated: 2024-02-07. Review status: criteria provided, single submitter. Criteria: Invitae Variant Classification Sherloc (09022015). Collection method: clinical testing. Allele origin: germline.

CeGaT Center for Human Genetics Tuebingen
Classification: Likely benign. Last evaluated: 2022-10-01. Review status: criteria provided, single submitter. Criteria: CeGaT Center For Human Genetics Tuebingen Variant Classification Criteria Version 2. Collection method: clinical testing. Allele origin: germline. Affected: yes. Observed: 1 variant allele.
Comment: FANCA: BP4, BP7

NM_000135.4(FANCA):c.2613C>A (p.Leu871=)

Genes: FANCA (FA complementation group A; minus strand), LOC130059837 (ATAC-STARR-seq lymphoblastoid active region 11420; plus strand). Cytogenetic location: 16q24.3.
Variant type: single nucleotide variant.
Coding change: c.2613C>A on transcript NM_000135.4 (MANE Select); coding-DNA position 2613, C replaced by A.
Protein change: p.Leu871=; no amino-acid change (leucine 871 retained).
Molecular consequence: synonymous variant.
Genome position (GRCh38, 1-based): chr16:89,765,055, G>T on the plus strand (C>A on the coding strand, the complement: FANCA is on the minus strand). VCF-style: chr16-89765055-G-T. GRCh37 (hg19) VCF-style: chr16-89831463-G-T.
Other names: c.2613C>A, p.Leu871= (NM_001286167.3).
Identifiers: ClinVar variation 1147224 (VCV001147224.33), dbSNP rs532032511, ClinGen allele CA286555638.